The following is an entry in ClinVar:

ClinVar aggregate classification (germline): Pathogenic (1 of 4 stars; one submission).

Conditions:
Nemaline myopathy 2 (NEM2). Also called: Nemaline myopathy 2, autosomal recessive. Identifiers: MedGen C1850569, MONDO:0009725, OMIM 256030.

Submission:

Labcorp Genetics (formerly Invitae), Labcorp
Classification: Pathogenic for Nemaline myopathy 2. Last evaluated: 2023-12-27. Review status: criteria provided, single submitter. Criteria: Invitae Variant Classification Sherloc (09022015). Collection method: clinical testing. Allele origin: germline.
Comment: This variant occurs in a region of NEB (Exons 82-105) consisting of three highly homologous 8-exon repeat units (exons 82-89, exons 90-97, exons 98-105). Sequence variants in this region can be detected, but this assay cannot determine which of the three repeat units is affected, and zygosity is often ambiguous. All variants in this region are reported relative to the exon 82-89 repeat. This sequence change creates a premature translational stop signal (p.Lys4503Alafs*22) in the NEB gene. It is expected to result in an absent or disrupted protein product. Loss-of-function variants in NEB are known to be pathogenic (PMID: 25205138). The frequency data for this variant in the population databases (gnomAD) is considered unreliable due to the presence of homologous sequence, such as pseudogenes or paralogs, in the genome. This variant has not been reported in the literature in individuals affected with NEB-related conditions. Algorithms developed to predict the effect of sequence changes on RNA splicing suggest that this variant may disrupt the consensus splice site. For these reasons, this variant has been classified as Pathogenic.

Literature cited by the submitters: PubMed 25205138.

NM_001164508.2(NEB):c.13507_13510del (p.Lys4503fs)

Gene: NEB (nebulin; minus strand). Cytogenetic location: 2q23.3.
Variant type: Deletion.
Coding change: c.13507_13510del on transcript NM_001164508.2 (MANE Select); coding-DNA positions 13507 to 13510, 4 bases deleted (AAAG; older notation c.13507_13510delAAAG).
Protein change: p.Lys4503fs; shifts the reading frame from lysine 4503.
Molecular consequence: frameshift variant. On other transcripts: intron variant (1).
Genome position (GRCh38, 1-based): chr2:151,600,720-151,600,723, CTTT deleted on the plus strand (AAAG on the coding strand, the reverse complement: NEB is on the minus strand); deleting any 4 consecutive bases within chr2:151,600,720-151,600,725 gives the same sequence; the c. name uses the placement nearest the transcript's 3' end. VCF-style (leftmost placement, unchanged base first): chr2-151600719-CCTTT-C. GRCh37 (hg19) VCF-style: chr2-152457233-CCTTT-C.
Other names: c.13507_13510del, p.Lys4503fs (NM_001164507.2, NM_001271208.2); c.11601+9086_11601+9089del (NM_004543.5); short protein forms K4503fs.
Identifiers: ClinVar variation 2876508 (VCV002876508.3), dbSNP rs2552219846, ClinGen allele CA2739271369.
Genomic context (GRCh38, chr2:151,600,719, plus strand): 5'-ACATTTGCTGCCCAAACCAGTTTAGGGTCTTCCTTGGCGCTGCGACAGCCAATGTAATGG[CCTTT>C]CTGTTTCTCATAAGCAGTTTTGTACAGATACTGGTAGATGTGAACAGAAAATAGAAGAGT-3'